The following is an entry in ClinVar:

ClinVar aggregate classification (germline): Conflicting classifications of pathogenicity. Review status: criteria provided, conflicting classifications (1 of 4 stars). 8 submissions from 8 submitters: Uncertain significance (2); Likely benign (3). 3 of the submissions do not count toward it. Last evaluated 2026-02-04.

Conditions:
Usher syndrome type 2A. Also called: RETINAL DISEASE IN USHER SYNDROME TYPE IIA, MODIFIER OF; USHER SYNDROME, TYPE IIA. Identifiers: Orphanet 231178, Orphanet 886, MedGen C1848634, MONDO:0010169, OMIM 276901.

Allele frequency attached by ClinVar (database versions not stated): gnomAD exomes 0.00007 and 0.00014; ExAC 0.00018; ESP Exome Variant Server 0.00038; 1000 Genomes Project 0.00040; 1000 Genomes Project 30x 0.00047; gnomAD 0.00065 and 0.00069; TOPMed 0.00070.
gnomAD v4.1: 210 of 1,612,078 alleles (0.013%); highest among the groups gnomAD compares: African/African-American, 0.2%; no homozygotes.

Submissions (8):

Labcorp Genetics (formerly Invitae), Labcorp
Classification: Likely benign. Last evaluated: 2026-02-04. Review status: criteria provided, single submitter. Criteria: Invitae Variant Classification Sherloc (09022015). Collection method: clinical testing. Allele origin: germline.

GeneDx
Classification: Uncertain significance. Last evaluated: 2025-03-03. Review status: criteria provided, single submitter. Criteria: GeneDx Variant Classification Process June 2021. Collection method: clinical testing. Allele origin: germline. Affected: yes.
Comment: Has not been previously published as pathogenic or benign to our knowledge; In silico analysis is inconclusive as to whether the variant alters gene splicing. In the absence of RNA/functional studies, the actual effect of this sequence change is unknown.

Blueprint Genetics
Classification: Likely benign. Last evaluated: 2024-09-04. Review status: criteria provided, single submitter. Criteria: ACMG Guidelines, 2015. Collection method: clinical testing. Allele origin: germline.

Women's Health and Genetics/Laboratory Corporation of America, LabCorp
Classification: Likely benign. Last evaluated: 2024-05-15. Review status: criteria provided, single submitter. Criteria: LabCorp Variant Classification Summary - May 2015. Collection method: clinical testing. Allele origin: germline.

Eurofins Ntd Llc (ga)
Classification: Uncertain significance. Last evaluated: 2017-02-15. Review status: criteria provided, single submitter. Criteria: EGL Classification Definitions 2015. Collection method: clinical testing. Allele origin: germline. Observed: 2 variant alleles, 2 heterozygotes.

Natera, Inc.
Classification: Uncertain significance for Usher syndrome type 2A. Last evaluated: 2019-11-11. Review status: no assertion criteria provided. Collection method: clinical testing. Allele origin: germline. Not counted in ClinVar's aggregate classification.

Clinical Genetics, Academic Medical Center
Classification: Likely benign. Review status: no assertion criteria provided. Collection method: clinical testing. Allele origin: germline. Affected: yes. Study: VKGL Data-share Consensus. Not counted in ClinVar's aggregate classification.

Joint Genome Diagnostic Labs from Nijmegen and Maastricht, Radboudumc and MUMC+
Classification: Likely benign. Review status: no assertion criteria provided. Collection method: clinical testing. Allele origin: germline. Affected: yes. Study: VKGL Data-share Consensus. Not counted in ClinVar's aggregate classification.

NM_206933.4(USH2A):c.5265C>T (p.Phe1755=)

Genes: USH2A (usherin; minus strand), USH2A-AS2 (USH2A antisense RNA 2; plus strand). Cytogenetic location: 1q41.
Variant type: single nucleotide variant.
Coding change: c.5265C>T on transcript NM_206933.4 (MANE Select); coding-DNA position 5265, C replaced by T.
Protein change: p.Phe1755=; no amino-acid change (phenylalanine 1755 retained).
Molecular consequence: synonymous variant.
Genome position (GRCh38, 1-based): chr1:216,083,489, G>A on the plus strand (C>T on the coding strand, the complement: USH2A is on the minus strand). VCF-style: chr1-216083489-G-A. GRCh37 (hg19) VCF-style: chr1-216256831-G-A.
Identifiers: ClinVar variation 195997 (VCV000195997.29), dbSNP rs147371835, ClinGen allele CA242728.